The following is an entry in ClinVar:

ClinVar aggregate classification (germline): Uncertain significance (1 of 4 stars; one submission).

Conditions:
Dilated cardiomyopathy 1G (CMD1G). Identifiers: Orphanet 154, MedGen C1858763, MONDO:0011400, OMIM 604145.
Autosomal recessive limb-girdle muscular dystrophy type 2J (LGMDR10). Also called: Limb-girdle muscular dystrophy, type 2J; MUSCULAR DYSTROPHY, LIMB-GIRDLE, AUTOSOMAL RECESSIVE 10. Identifiers: Orphanet 140922, MedGen C1837342, MONDO:0012127, OMIM 608807.

Submission:

Labcorp Genetics (formerly Invitae), Labcorp
Classification: Uncertain significance for Dilated cardiomyopathy 1G; Autosomal recessive limb-girdle muscular dystrophy type 2J. Last evaluated: 2024-07-23. Review status: criteria provided, single submitter. Criteria: Invitae Variant Classification Sherloc (09022015). Collection method: clinical testing. Allele origin: germline.
Comment: This sequence change replaces leucine, which is neutral and non-polar, with isoleucine, which is neutral and non-polar, at codon 35662 of the TTN protein (p.Leu35662Ile). This variant is not present in population databases (gnomAD no frequency). This variant has not been reported in the literature in individuals affected with TTN-related conditions. ClinVar contains an entry for this variant (Variation ID: 1512154). Experimental studies and prediction algorithms are not available or were not evaluated, and the functional significance of this variant is currently unknown. This variant is located in the M band of TTN (PMID: 25589632). Non-truncating variants in this region may be relevant for neuromuscular disorders, but have not been definitively shown to cause cardiomyopathy (PMID: 23975875). In summary, the available evidence is currently insufficient to determine the role of this variant in disease. Therefore, it has been classified as a Variant of Uncertain Significance.

Literature cited by the submitters: PubMed 25589632; PubMed 23975875.

NM_001267550.2(TTN):c.106984C>A (p.Leu35662Ile)

Genes: TTN (titin; minus strand), TTN-AS1 (TTN antisense RNA 1; plus strand). Cytogenetic location: 2q31.2.
Variant type: single nucleotide variant.
Coding change: c.106984C>A on transcript NM_001267550.2 (MANE Select); coding-DNA position 106984, C replaced by A.
Protein change: p.Leu35662Ile; replaces leucine 35662 with isoleucine.
Molecular consequence: missense variant.
Genome position (GRCh38, 1-based): chr2:178,528,767, G>T on the plus strand (C>A on the coding strand, the complement: TTN is on the minus strand). VCF-style: chr2-178528767-G-T. GRCh37 (hg19) VCF-style: chr2-179393494-G-T.
Other names: c.102061C>A, p.Leu34021Ile (NM_001256850.1); c.79789C>A, p.Leu26597Ile (NM_003319.4); c.99280C>A, p.Leu33094Ile (NM_133378.4); c.80164C>A, p.Leu26722Ile (NM_133432.3); c.80365C>A, p.Leu26789Ile (NM_133437.4); short protein forms L26722I, L33094I, L26597I, L34021I, L26789I, L35662I.
Identifiers: ClinVar variation 1512154 (VCV001512154.6), dbSNP rs2154131306, ClinGen allele CA349402333.